The following is an entry in ClinVar:

ClinVar aggregate classification (germline): Benign/Likely benign. Review status: criteria provided, multiple submitters, no conflicts (2 of 4 stars). 4 submissions from 4 submitters: Benign (3); Likely benign (1). Last evaluated 2026-01-24.

Conditions:
Monogenic diabetes. Identifiers: Orphanet 183625, MedGen C3888631, MONDO:0015967.

Allele frequency attached by ClinVar (database versions not stated): gnomAD exomes 0.00255 and 0.00656; ExAC 0.00792; gnomAD 0.02388 and 0.02565; TOPMed 0.02596; ESP Exome Variant Server 0.02737; 1000 Genomes Project 0.02756; 1000 Genomes Project 30x 0.02967.
gnomAD v4.1: 7,525 of 1,614,150 alleles (0.47%); highest among the groups gnomAD compares: African/African-American, 8.5%; 286 homozygotes.

Submissions (4):

Labcorp Genetics (formerly Invitae), Labcorp
Classification: Benign. Last evaluated: 2026-01-24. Review status: criteria provided, single submitter. Criteria: Invitae Variant Classification Sherloc (09022015). Collection method: clinical testing. Allele origin: germline.

Personalized Diabetes Medicine Program, University of Maryland School of Medicine
Classification: Benign for Monogenic diabetes. Last evaluated: 2019-01-25. Review status: criteria provided, single submitter. Criteria: ACMG Guidelines, 2015. Collection method: research. Allele origin: unknown. Observed: 14 variant alleles, 14 heterozygotes.
Comment: ACMG criteria: BA1 (8.5% in Africans in gnomAD), BS2 (104 homo in gnomAD, 191 cases and 210 controls in T2DM), BP4 (9 predictors, Revel score 0.168)=benign

GeneDx
Classification: Benign. Last evaluated: 2018-12-24. Review status: criteria provided, single submitter. Criteria: GeneDx Variant Classification Process June 2021. Collection method: clinical testing. Allele origin: germline. Affected: yes.
Comment: This variant is associated with the following publications: (PMID: 32917775)

Breakthrough Genomics
Classification: Likely benign. Review status: criteria provided, single submitter. Criteria: ACMG Guidelines, 2015. Collection method: not provided. Allele origin: germline. Inheritance: Autosomal recessive inheritance. Affected: yes.

NM_000230.3(LEP):c.280G>A (p.Val94Met)

Gene: LEP (leptin; plus strand). Cytogenetic location: 7q32.1.
Variant type: single nucleotide variant.
Coding change: c.280G>A on transcript NM_000230.3 (MANE Select); coding-DNA position 280, G replaced by A.
Protein change: p.Val94Met; replaces valine 94 with methionine.
Molecular consequence: missense variant.
Genome position (GRCh38, 1-based): chr7:128,254,539, G>A. VCF-style: chr7-128254539-G-A. GRCh37 (hg19) VCF-style: chr7-127894592-G-A.
Other names: short protein forms V94M.
Identifiers: ClinVar variation 358819 (VCV000358819.18), dbSNP rs17151919, ClinGen allele CA4469685.
Genomic context (GRCh38, chr7:128,254,539, plus strand): 5'-AAGATGGACCAGACACTGGCAGTCTACCAACAGATCCTCACCAGTATGCCTTCCAGAAAC[G>A]TGATCCAAATATCCAACGACCTGGAGAACCTCCGGGATCTTCTTCACGTGCTGGCCTTCT-3'
Protein context (NP_000221.1, residues 84-104): QILTSMPSRN[Val94Met]IQISNDLENL